The following is an entry in ClinVar:

NM_001943.5(DSG2):c.3305C>T (p.Thr1102Ile)

Genes: DSG2 (desmoglein 2; plus strand), DSG2-AS1 (DSG2 antisense RNA 1; minus strand). Cytogenetic location: 18q12.1.
Variant type: single nucleotide variant.
Coding change: c.3305C>T on transcript NM_001943.5 (MANE Select); coding-DNA position 3305, C replaced by T.
Protein change: p.Thr1102Ile; replaces threonine 1102 with isoleucine.
Molecular consequence: missense variant.
Genome position (GRCh38, 1-based): chr18:31,546,691, C>T. VCF-style: chr18-31546691-C-T. GRCh37 (hg19) VCF-style: chr18-29126654-C-T.
Other names: short protein forms T1102I.
Identifiers: ClinVar variation 3893841 (VCV003893841.1).

ClinVar aggregate classification (germline): Uncertain significance (1 of 4 stars; one submission).

Conditions:
Cardiomyopathy (CMYO). Also called: Cardiomyopathies. Identifiers: Orphanet 167848, MedGen C0878544, MONDO:0004994, HP:0001638. Inheritance: Various modes of inheritance.

Submission:

Color Diagnostics, LLC DBA Color Health
Classification: Uncertain significance for Cardiomyopathy. Last evaluated: 2024-05-22. Review status: criteria provided, single submitter. Criteria: ACMG Guidelines, 2015. Collection method: clinical testing. Allele origin: germline.
Comment: This missense variant replaces threonine with isoleucine at codon 1102 of the DSG2 protein. Computational prediction suggests that this variant may not impact protein structure and function (internally defined REVEL score threshold <= 0.5, PMID: 27666373). To our knowledge, functional studies have not been reported for this variant. This variant has not been reported in individuals affected with DSG2-related disorders in the literature. This variant has not been identified in the general population by the Genome Aggregation Database (gnomAD). The available evidence is insufficient to determine the role of this variant in disease conclusively. Therefore, this variant is classified as a Variant of Uncertain Significance.